The following is an entry in ClinVar:

ClinVar aggregate classification (germline): Pathogenic/Likely pathogenic. Review status: criteria provided, multiple submitters, no conflicts (2 of 4 stars). 11 submissions from 11 submitters: Pathogenic (2); Likely pathogenic (7). 2 of the submissions do not count toward it. Last evaluated 2026-01-30.

Conditions:
Perrault syndrome. Also called: Gonadal dysgenesis with auditory dysfunction, autosomal recessive inheritance. Identifiers: Orphanet 2855, MedGen C0685838, MONDO:0017312.
Bifunctional peroxisomal enzyme deficiency (DBIF). Also called: DBP DEFICIENCY; PBFE DEFICIENCY; D-bifunctional protein deficiency. Identifiers: Orphanet 300, MedGen C0342870, MONDO:0009855, OMIM 261515. Disease mechanism: loss of function.
Perrault syndrome 1 (PRLTS1). Also called: GONADAL DYSGENESIS, XX TYPE, WITH DEAFNESS; OVARIAN DYSGENESIS WITH SENSORINEURAL DEAFNESS. Identifiers: Orphanet 2855, Orphanet 642945, MedGen C4551721, MONDO:0009300, OMIM 233400.
Rare genetic deafness. Identifiers: Orphanet 96210, MedGen C5680250.

Allele frequency attached by ClinVar (database versions not stated): gnomAD exomes below 0.00001; gnomAD 0.00001; TOPMed 0.00001.
gnomAD v4.1: 3 of 1,611,928 alleles (0.00019%); highest among the groups gnomAD compares: Non-Finnish European, 0.00025%; no homozygotes.

Submissions (11):

Department of Human Genetics, Hannover Medical School
Classification: Likely pathogenic for Bifunctional peroxisomal enzyme deficiency. Last evaluated: 2026-01-30. Review status: criteria provided, single submitter. Criteria: ACMG Guidelines, 2015. Collection method: clinical testing. Allele origin: germline. Affected: yes.
Comment: ACMG/SVI: PS3_Supporting, PM2_Supporting, PM3, PP1_Moderate, PP3_Moderate (PMID: 16385454, 22864515, 23181892)

Natera, Inc.
Classification: Likely pathogenic for Bifunctional peroxisomal enzyme deficiency. Last evaluated: 2025-12-30. Review status: criteria provided, single submitter. Criteria: Natera Variant Classification Schema (03/2026). Collection method: clinical testing. Allele origin: germline.
Comment: The c.1547T>C variant in HSD17B4 is a missense variant predicted to cause substitution of isoleucine to threonine at amino acid 516. This variant is rare in the general population with a frequency below the threshold expected for the associated phenotype(s). This variant has been observed in one or more individuals affected with the associated recessive disease, as either homozygous or compound heterozygous with a second variant (PMID: 16385454, 23181892). Additionally, this variant has been observed to segregate in affected family members (PMID: 23181892). Functional studies show that this variant may disrupt protein function (PMID: 22864515). Computational prediction algorithms indicate this variant is likely to affect gene or protein function. Given the available evidence, this variant is classified as Likely Pathogenic.

Labcorp Genetics (formerly Invitae), Labcorp
Classification: Likely pathogenic for Perrault syndrome; Bifunctional peroxisomal enzyme deficiency. Last evaluated: 2025-12-24. Review status: criteria provided, single submitter. Criteria: Invitae Variant Classification Sherloc (09022015). Collection method: clinical testing. Allele origin: germline.
Comment: This sequence change replaces isoleucine, which is neutral and non-polar, with threonine, which is neutral and polar, at codon 516 of the HSD17B4 protein (p.Ile516Thr). This variant is not present in population databases (gnomAD no frequency). This missense change has been observed in individuals with clinical features of HSD17B4-related disorders (PMID: 16385454, 23181892, 24108619, 28708278). ClinVar contains an entry for this variant (Variation ID: 137617). Invitae Evidence Modeling of protein sequence and biophysical properties (such as structural, functional, and spatial information, amino acid conservation, physicochemical variation, residue mobility, and thermodynamic stability) has been performed for this missense variant. However, the output from this modeling did not meet the statistical confidence thresholds required to predict the impact of this variant on HSD17B4 protein function. Experimental studies have shown that this missense change affects HSD17B4 function (PMID: 22864515). In summary, the currently available evidence indicates that the variant is pathogenic, but additional data are needed to prove that conclusively. Therefore, this variant has been classified as Likely Pathogenic.

Genetic Services Laboratory, University of Chicago
Classification: Likely pathogenic. Last evaluated: 2024-07-10. Review status: criteria provided, single submitter. Criteria: ACMG Guidelines, 2015. Collection method: clinical testing. Allele origin: germline. Affected: yes.
Comment: DNA sequence analysis of the HSD17B4 gene demonstrated a sequence change, c.1547T>C, in exon 18 that results in an amino acid change, p.Ile516Thr. The p.Ile516Thr change affects a highly conserved amino acid residue located in a domain of the HSD17B4 protein that is known to be functional. The p.Ile516Thr substitution appears to be deleterious using several in-silico pathogenicity prediction tools (SIFT, PolyPhen2, REVEL). This amino acid change has been described in the literature in the homozygous or compound heterozygous state in several individuals with HSD17B4-related disorders (PMID: 16385454, 23181892, 24108619, 28708278). This sequence change has been described in the gnomAD database with a frequency of 0.0003% in the non-Finnish European subpopulation (dbSNP rs587777443). The p.Ile516Thr amino acid change occurs in a region of the HSD17B4 gene where other missense sequence changes have been described in individuals with HSD17B4-related disorders. Collectively, this evidence indicates that this sequence change is likely pathogenic, however functional studies have not been performed to prove this conclusively.

Fulgent Genetics
Classification: Likely pathogenic for Perrault syndrome 1; Bifunctional peroxisomal enzyme deficiency. Last evaluated: 2024-05-14. Review status: criteria provided, single submitter. Criteria: ACMG Guidelines, 2015. Collection method: clinical testing. Allele origin: germline.

Women's Health and Genetics/Laboratory Corporation of America, LabCorp
Classification: Pathogenic for Bifunctional peroxisomal enzyme deficiency. Last evaluated: 2024-04-11. Review status: criteria provided, single submitter. Criteria: LabCorp Variant Classification Summary - May 2015. Collection method: clinical testing. Allele origin: germline.
Comment: Variant summary: HSD17B4 c.1547T>C (p.Ile516Thr) results in a non-conservative amino acid change in the encoded protein sequence. Five of five in-silico tools predict a damaging effect of the variant on protein function. The variant was absent in 251020 control chromosomes (gnomAD). c.1547T>C has been reported in the literature in individuals affected with D-Bifunctional Protein Deficiency (e.g. Ferdinandusse_2006, McMillan_2012). These data indicate that the variant is likely to be associated with disease. At least one publication reports experimental evidence evaluating an impact on protein function, finding that the variant results in <10% of normal activity (Tsuchida_2012). The following publications have been ascertained in the context of this evaluation (PMID: 16385454, 22864515, 23181892). ClinVar contains an entry for this variant (Variation ID: 137617). Based on the evidence outlined above, the variant was classified as pathogenic.

Baylor Genetics
Classification: Pathogenic for Bifunctional peroxisomal enzyme deficiency. Last evaluated: 2024-03-12. Review status: criteria provided, single submitter. Criteria: ACMG Guidelines, 2015. Collection method: clinical testing. Allele origin: unknown.

Revvity Omics, Revvity
Classification: Likely pathogenic. Last evaluated: 2021-11-15. Review status: criteria provided, single submitter. Criteria: ACMG Guidelines, 2015. Collection method: clinical testing. Allele origin: germline.

Laboratory for Molecular Medicine, Mass General Brigham Personalized Medicine
Classification: Likely pathogenic for Rare genetic deafness. Last evaluated: 2018-04-18. Review status: criteria provided, single submitter. Criteria: LMM Criteria. Collection method: clinical testing. Allele origin: germline. Inheritance: Autosomal recessive inheritance. Observed: 1 variant allele.
Comment: The p.Ile541Thr variant (also referred to as Ile516Thr) in HSD17B4 has been repo rted in 3 individuals with D-bifunctional protein deficiency and segregated with the disease in 1 affected (Ferdinandusse 2006. McMillan 2012). It was absent fr om large population studies. All reported individuals were compound heterozygote s with different missense alleles, including likely pathogenic variants. The p.I le541Thr variant has been reported in ClinVar (Variation ID: 137617). In vitro f unctional data suggest that this mutation impacts protein dimerization, resultin g in reduced function (Ferdinandusse 2006, Tsuchida 2016); however, these types of assays may not accurately represent biological function. Computational predic tion tools and conservation analysis suggest that the p.Ile541Thr variant may i mpact the protein, though this information is not predictive enough to determine pathogenicity. In summary, although additional studies are required to fully es tablish its clinical significance, the p.Ile541Thr variant is likely pathogenic. ACMG/AMP Criteria applied: PM2; PM3; PP3; PS3_Supporting

Counsyl
Classification: Likely pathogenic for Bifunctional peroxisomal enzyme deficiency. Last evaluated: 2018-02-16. Review status: no assertion criteria provided. Collection method: clinical testing. Allele origin: unknown. Not counted in ClinVar's aggregate classification.

OMIM
Classification: Pathogenic for PERRAULT SYNDROME 1. Last evaluated: 2012-11-22. Review status: no assertion criteria provided. Collection method: literature only. Allele origin: germline. Not counted in ClinVar's aggregate classification.

Literature cited by the submitters: PubMed 16385454 (cited by 5 submitters); PubMed 23181892 (cited by 6 submitters); PubMed 22864515 (cited by 5 submitters); PubMed 24108619 (cited by Labcorp Genetics (formerly Invitae), Labcorp and Counsyl); PubMed 28708278 (cited by Labcorp Genetics (formerly Invitae), Labcorp).

NM_000414.4(HSD17B4):c.1547T>C (p.Ile516Thr)

Gene: HSD17B4 (hydroxysteroid 17-beta dehydrogenase 4; plus strand). Cytogenetic location: 5q23.1.
Variant type: single nucleotide variant.
Coding change: c.1547T>C on transcript NM_000414.4 (MANE Select); coding-DNA position 1547, T replaced by C.
Protein change: p.Ile516Thr; replaces isoleucine 516 with threonine.
Molecular consequence: missense variant.
Genome position (GRCh38, 1-based): chr5:119,525,259, T>C. VCF-style: chr5-119525259-T-C. GRCh37 (hg19) VCF-style: chr5-118860954-T-C.
Other names: c.1622T>C, p.Ile541Thr (NM_001199291.3); c.1493T>C, p.Ile498Thr (NM_001199292.2); c.1475T>C, p.Ile492Thr (NM_001292027.2); c.1127T>C, p.Ile376Thr (NM_001292028.2); short protein forms I516T, I541T, I492T, I376T, I498T.
Identifiers: ClinVar variation 137617 (VCV000137617.25), dbSNP rs587777443, ClinGen allele CA163183.
Genomic context (GRCh38, chr5:119,525,259, plus strand): 5'-TTATGCTTTCTCCACAGGCTGCTTTGTACCGCCTCAGTGGAGACTGGAATCCCTTACACA[T>C]TGATCCTAACTTTGCTAGTCTAGCAGGTGAGTTGTCTTTAATATGTATCAATGAAAAATA-3'
Protein context (NP_000405.1, residues 506-526): RLSGDWNPLH[Ile516Thr]DPNFASLAGF